The following is an entry in ClinVar:

NM_001123385.2(BCOR):c.4936dup (p.Leu1646fs)

Gene: BCOR (BCL6 corepressor; minus strand). Cytogenetic location: Xp11.4.
Variant type: Duplication.
Coding change: c.4936dup on transcript NM_001123385.2 (MANE Select); coding-DNA position 4936, one base duplicated (C; older notation c.4936dupC).
Protein change: p.Leu1646fs; shifts the reading frame from leucine 1646.
Molecular consequence: frameshift variant.
Genome position (GRCh38, 1-based): chrX:40,053,926, G duplicated on the plus strand (C on the coding strand, the reverse complement: BCOR is on the minus strand); the first of 6 consecutive G bases (chrX:40,053,926-40,053,931); duplicating any one gives the same sequence. VCF-style (leftmost placement, unchanged base first): chrX-40053925-A-AG. GRCh37 (hg19) VCF-style: chrX-39913178-A-AG.
Other names: c.4834dupC (NM_017745.5); c.4829dup, p.Leu1612Profs (NM_001123383.2); c.4780dup, p.Leu1594fs (NM_001123384.2); c.4834dup, p.Leu1612fs (NM_017745.6); short protein forms L1612fs, L1646fs, L1594fs.
Identifiers: ClinVar variation 280600 (VCV000280600.5), dbSNP rs748074364, ClinGen allele CA10386346.
Genomic context (GRCh38, chrX:40,053,925, plus strand): 5'-TCACATGACAGCCATGCTCACCCCTGAGCCACAGATACTTGGATGTTATAACACGGTAAG[A>AG]GGGGGGTCTCTGAAAATTCAAATTCAAACACATCGCTATAGGCATCGTCATCATCATCCT-3'

ClinVar aggregate classification (germline): Pathogenic/Likely pathogenic. Review status: criteria provided, multiple submitters, no conflicts (2 of 4 stars). 4 submissions from 4 submitters: Pathogenic (2); Likely pathogenic (1). 1 of the submissions does not count toward it. Last evaluated 2023-10-23.

Conditions:
BCOR-related disorder. Also called: BCOR-related condition; BCOR-related disorders.
Oculofaciocardiodental syndrome (MCOPS2). Identifiers: Orphanet 2712, MedGen C1846265, MONDO:0010261, OMIM 300166.

Submissions (4):

Greenwood Genetic Center Diagnostic Laboratories, Greenwood Genetic Center
Classification: Pathogenic for Oculofaciocardiodental syndrome. Last evaluated: 2023-10-23. Review status: criteria provided, single submitter. Criteria: ACMG Guidelines, 2015. Collection method: clinical testing. Allele origin: germline. Affected: yes.
Comment: PVS1, PM2, PM6

Blueprint Genetics
Classification: Likely pathogenic for BCOR-related disorders. Last evaluated: 2020-09-15. Review status: criteria provided, single submitter. Criteria: ACMG Guidelines, 2015. Collection method: clinical testing. Allele origin: germline. Affected: yes. Observed: 1 variant allele.

GeneDx
Classification: Pathogenic. Last evaluated: 2016-05-12. Review status: criteria provided, single submitter. Criteria: GeneDx Variant Classification (06012015). Collection method: clinical testing. Allele origin: germline. Affected: yes.
Comment: The 4834dupC pathogenic variant in the BCOR gene has not been reported previously as a pathogenic variant nor as a benign variant, to our knowledge. The 4834dupC variant causes a frameshift starting with codon Leucine 1612, changes this amino acid to a Proline residue, and creates a premature Stop codon at position 6 of the new reading frame, denoted p.Leu1612ProfsX6. This variant is predicted to cause loss of normal protein function through protein truncation as the last 110 amino acids of the BCOR protein are lost and replaced with 5 incorrect amino acids. The 4834dupC variant was not observed in approximately 6500 individuals of European and African American ancestry in the NHLBI Exome Sequencing Project, indicating it is not a common benign variant in these populations. We interpret 4834dupC as a pathogenic variant.

Molecular Genetics laboratory, Necker Hospital
Classification: Likely pathogenic. Last evaluated: 2020-05-15. Review status: no assertion criteria provided. Collection method: clinical testing. Allele origin: de novo. Affected: yes. Not counted in ClinVar's aggregate classification.